The following is an entry in ClinVar:

NM_003839.4(TNFRSF11A):c.16C>G (p.Arg6Gly)

Genes: TNFRSF11A (TNF receptor superfamily member 11a; plus strand), LOC130062628 (ATAC-STARR-seq lymphoblastoid silent region 9505; plus strand). Cytogenetic location: 18q21.33.
Variant type: single nucleotide variant.
Coding change: c.16C>G on transcript NM_003839.4 (MANE Select); coding-DNA position 16, C replaced by G.
Protein change: p.Arg6Gly; replaces arginine 6 with glycine.
Molecular consequence: missense variant.
Genome position (GRCh38, 1-based): chr18:62,325,368, C>G. VCF-style: chr18-62325368-C-G. GRCh37 (hg19) VCF-style: chr18-59992601-C-G.
Other names: c.16C>G, p.Arg6Gly (NM_001270949.2, NM_001270950.2, NM_001270951.2 and 1 more transcripts); short protein forms R6G.
Identifiers: ClinVar variation 1928932 (VCV001928932.6), dbSNP rs1008902580, ClinGen allele CA301715047.

ClinVar aggregate classification (germline): Uncertain significance. Review status: criteria provided, multiple submitters, no conflicts (2 of 4 stars). 2 submissions from 2 submitters: Uncertain significance (2). Last evaluated 2025-05-08.

Conditions:
Inborn genetic diseases. Identifiers: MedGen C0950123, MeSH D030342.

Allele frequency attached by ClinVar (database versions not stated): gnomAD exomes below 0.00001; gnomAD 0.00005; TOPMed 0.00007.
gnomAD v4.1: 8 of 1,043,052 alleles (0.00077%); highest among the groups gnomAD compares: African/African-American, 0.014%; no homozygotes.

Submissions (2):

Labcorp Genetics (formerly Invitae), Labcorp
Classification: Uncertain significance. Last evaluated: 2025-05-08. Review status: criteria provided, single submitter. Criteria: Invitae Variant Classification Sherloc (09022015). Collection method: clinical testing. Allele origin: germline.
Comment: This sequence change replaces arginine, which is basic and polar, with glycine, which is neutral and non-polar, at codon 6 of the TNFRSF11A protein (p.Arg6Gly). The frequency data for this variant in the population databases is considered unreliable, as metrics indicate insufficient coverage at this position in the gnomAD database. This variant has not been reported in the literature in individuals affected with TNFRSF11A-related conditions. ClinVar contains an entry for this variant (Variation ID: 1928932). Experimental studies and prediction algorithms are not available or were not evaluated, and the functional significance of this variant is currently unknown. In summary, the available evidence is currently insufficient to determine the role of this variant in disease. Therefore, it has been classified as a Variant of Uncertain Significance.

Ambry Genetics
Classification: Uncertain significance for Inborn genetic diseases. Last evaluated: 2022-12-21. Review status: criteria provided, single submitter. Criteria: Ambry Variant Classification Scheme 2023. Collection method: clinical testing. Allele origin: germline.